The following is an entry in ClinVar:

NM_015459.5(ATL3):c.1056C>G (p.Asn352Lys)

Genes: ATL3 (atlastin GTPase 3; minus strand), LNCROPM (lncRNA regulator of PLAAT3 mediated phospholipid metabolism; plus strand). Cytogenetic location: 11q13.1.
Variant type: single nucleotide variant.
Coding change: c.1056C>G on transcript NM_015459.5 (MANE Select); coding-DNA position 1056, C replaced by G.
Protein change: p.Asn352Lys; replaces asparagine 352 with lysine.
Molecular consequence: missense variant.
Genome position (GRCh38, 1-based): chr11:63,633,077, G>C on the plus strand (C>G on the coding strand, the complement: ATL3 is on the minus strand). VCF-style: chr11-63633077-G-C. GRCh37 (hg19) VCF-style: chr11-63400549-G-C.
Other names: c.1002C>G, p.Asn334Lys (NM_001290048.2); short protein forms N334K, N352K.
Identifiers: ClinVar variation 2769069 (VCV002769069.3), dbSNP rs902688720, ClinGen allele CA381025809.

ClinVar aggregate classification (germline): Uncertain significance (1 of 4 stars; one submission).

Conditions:
Neuropathy, hereditary sensory, type 1F. Also called: HSN IF; Hereditary sensory neuropathy type IF. Identifiers: Orphanet 36386, MedGen C3810194, MONDO:0014286, OMIM 615632.

Submission:

Labcorp Genetics (formerly Invitae), Labcorp
Classification: Uncertain significance for Neuropathy, hereditary sensory, type 1F. Last evaluated: 2024-07-15. Review status: criteria provided, single submitter. Criteria: Invitae Variant Classification Sherloc (09022015). Collection method: clinical testing. Allele origin: germline.
Comment: This sequence change replaces asparagine, which is neutral and polar, with lysine, which is basic and polar, at codon 352 of the ATL3 protein (p.Asn352Lys). This variant is not present in population databases (gnomAD no frequency). This variant has not been reported in the literature in individuals affected with ATL3-related conditions. Advanced modeling of protein sequence and biophysical properties (such as structural, functional, and spatial information, amino acid conservation, physicochemical variation, residue mobility, and thermodynamic stability) performed at Invitae indicates that this missense variant is expected to disrupt ATL3 protein function with a positive predictive value of 80%. In summary, the available evidence is currently insufficient to determine the role of this variant in disease. Therefore, it has been classified as a Variant of Uncertain Significance.